The following is an entry in ClinVar:

ClinVar aggregate classification (germline): Conflicting classifications of pathogenicity. Review status: criteria provided, conflicting classifications (1 of 4 stars). 2 submissions from 2 submitters: Likely pathogenic (1); Uncertain significance (1). Last evaluated 2024-10-14.

Allele frequency attached by ClinVar (database versions not stated): gnomAD exomes 0.00001.
gnomAD v4.1: 10 of 1,614,074 alleles (0.00062%); highest among the groups gnomAD compares: Non-Finnish European, 0.00076%; no homozygotes.

Submissions (2):

GeneDx
Classification: Likely pathogenic. Last evaluated: 2024-10-14. Review status: criteria provided, single submitter. Criteria: GeneDx Variant Classification Process June 2021. Collection method: clinical testing. Allele origin: germline.
Comment: In silico analysis supports that this missense variant has a deleterious effect on protein structure/function; Not observed at significant frequency in large population cohorts (gnomAD); This variant is associated with the following publications: (PMID: 29485838, 33766980, 24745848)

Women's Health and Genetics/Laboratory Corporation of America, LabCorp
Classification: Uncertain significance. Last evaluated: 2024-04-19. Review status: criteria provided, single submitter. Criteria: LabCorp Variant Classification Summary - May 2015. Collection method: clinical testing. Allele origin: germline.
Comment: Variant summary: PLA2G6 c.1756G>A (p.Gly586Arg) results in a non-conservative amino acid change located in the Patatin-like phospholipase domain (IPR002641) of the encoded protein sequence. Four of five in-silico tools predict a damaging effect of the variant on protein function. The variant was absent in 251170 control chromosomes. c.1756G>A has been reported in the literature in individuals affected with Infantile Neuroaxonal Dystrophy (Illingworth_2014). These data indicate that the variant may be associated with disease. To our knowledge, no experimental evidence demonstrating an impact on protein function has been reported. The following publication have been ascertained in the context of this evaluation (PMID: 24745848). ClinVar contains an entry for this variant (Variation ID: 2662948). Based on the evidence outlined above, the variant was classified as VUS-possibly pathogenic.

Literature cited by the submitters: PubMed 24745848 (cited by Women's Health and Genetics/Laboratory Corporation of America, LabCorp).

NM_003560.4(PLA2G6):c.1756G>A (p.Gly586Arg)

Gene: PLA2G6 (phospholipase A2 group VI; minus strand). Cytogenetic location: 22q13.1.
Variant type: single nucleotide variant.
Coding change: c.1756G>A on transcript NM_003560.4 (MANE Select); coding-DNA position 1756, G replaced by A.
Protein change: p.Gly586Arg; replaces glycine 586 with arginine.
Molecular consequence: missense variant.
Genome position (GRCh38, 1-based): chr22:38,116,198, C>T on the plus strand (G>A on the coding strand, the complement: PLA2G6 is on the minus strand). VCF-style: chr22-38116198-C-T. GRCh37 (hg19) VCF-style: chr22-38512205-C-T.
Other names: c.1594G>A, p.Gly532Arg (NM_001004426.3, NM_001199562.3, NM_001349865.2 and 1 more transcripts); c.1756G>A, p.Gly586Arg (NM_001349864.2); c.1222G>A, p.Gly408Arg (NM_001349867.2); c.1078G>A, p.Gly360Arg (NM_001349868.2); c.1060G>A, p.Gly354Arg (NM_001349869.2); short protein forms G354R, G360R, G408R, G532R, G586R.
Identifiers: ClinVar variation 2662948 (VCV002662948.3), dbSNP rs2087183662, ClinGen allele CA411525791.